The following is an entry in ClinVar:

ClinVar aggregate classification (germline): Likely pathogenic (1 of 4 stars; one submission).

Conditions:
Primary dilated cardiomyopathy (DCM). Also called: Dilated Cardiomyopathy. Identifiers: Orphanet 217604, MedGen C0007193, MeSH D002311, MONDO:0005021, HP:0001644. Inheritance: Various modes of inheritance.

Submission:

Cardiovascular Biomedical Research Unit, Royal Brompton & Harefield NHS Foundation Trust
Classification: Likely pathogenic for Primary dilated cardiomyopathy. Last evaluated: 2014-10-08. Review status: criteria provided, single submitter. Criteria: Roberts et al. 2015. Collection method: research. Allele origin: germline. Inheritance: Autosomal dominant inheritance. Affected: yes. Observed: 1 variant allele. Study: Unselected DCM.
Comment: In the seven cohorts assessed, TTNtv were found in 14% of ambulant DCM, 22% end-stage or familial DCM, and 2% controls. Heterozygous nonsense, frameshift and canonical splice-disrupting variants found in constitutive and other highly utilised exons are highly likely to be pathogenic when identified in individuals with phenotypically confirmed DCM. TTNtv found incidentally in healthy individuals (excluding familial assessment of DCM relatives) are thought to have low penetrance, particularly when identified in exons that are not constitutively expressed in the heart.

NM_001267550.2(TTN):c.43792del (p.Gly14597_Val14598insTer)

Gene: TTN (titin; minus strand). Cytogenetic location: 2q31.2.
Variant type: Deletion.
Coding change: c.43792del on transcript NM_001267550.2 (MANE Select); coding-DNA position 43792, one base deleted (G; older notation c.43792delG).
Protein change: p.Gly14597_Val14598insTer.
Molecular consequence: nonsense.
Genome position (GRCh38, 1-based): chr2:178,631,256, C deleted on the plus strand (G on the coding strand, the reverse complement: TTN is on the minus strand). VCF-style (leftmost placement, unchanged base first): chr2-178631255-AC-A. GRCh37 (hg19) VCF-style: chr2-179495982-AC-A.
Other names: c.38869del, p.Gly12956_Val12957insTer (NM_001256850.1); c.16597del, p.Gly5532_Val5533insTer (NM_003319.4); c.36088del, p.Gly12029_Val12030insTer (NM_133378.4); c.16972del, p.Gly5657_Val5658insTer (NM_133432.3); c.17173del, p.Gly5724_Val5725insTer (NM_133437.4); c.43792delG (LRG_391t1).
Identifiers: ClinVar variation 223275 (VCV000223275.1), dbSNP rs869312044, ClinGen allele CA353265.